The following is an entry in ClinVar:

NM_175614.5(NDUFA11):c.256G>A (p.Asp86Asn)

Gene: NDUFA11 (NADH:ubiquinone oxidoreductase subunit A11; minus strand). Cytogenetic location: 19p13.3.
Variant type: single nucleotide variant.
Coding change: c.256G>A on transcript NM_175614.5 (MANE Select); coding-DNA position 256, G replaced by A.
Protein change: p.Asp86Asn; replaces aspartic acid 86 with asparagine.
Molecular consequence: missense variant. On other transcripts: non-coding transcript variant (1).
Genome position (GRCh38, 1-based): chr19:5,896,510, C>T on the plus strand (G>A on the coding strand, the complement: NDUFA11 is on the minus strand). VCF-style: chr19-5896510-C-T. GRCh37 (hg19) VCF-style: chr19-5896521-C-T.
Other names: c.256G>A, p.Asp86Asn (NM_001193375.3); c.256G>A (NM_001193375.1); short protein forms D86N.
Identifiers: ClinVar variation 1479924 (VCV001479924.7), dbSNP rs544224039, ClinGen allele CA9118960.

ClinVar aggregate classification (germline): Uncertain significance. Review status: criteria provided, multiple submitters, no conflicts (2 of 4 stars). 2 submissions from 2 submitters: Uncertain significance (2). Last evaluated 2024-01-24.

Allele frequency attached by ClinVar (database versions not stated): ExAC 0.00007; 1000 Genomes Project 30x 0.00016; 1000 Genomes Project 0.00020; gnomAD exomes 0.00004; gnomAD 0.00005.
gnomAD v4.1: 66 of 1,571,856 alleles (0.0042%); highest among the groups gnomAD compares: East Asian, 0.014%; no homozygotes.

Submissions (2):

Labcorp Genetics (formerly Invitae), Labcorp
Classification: Uncertain significance. Last evaluated: 2024-01-24. Review status: criteria provided, single submitter. Criteria: Invitae Variant Classification Sherloc (09022015). Collection method: clinical testing. Allele origin: germline.
Comment: This sequence change replaces aspartic acid, which is acidic and polar, with asparagine, which is neutral and polar, at codon 86 of the NDUFA11 protein (p.Asp86Asn). This variant is present in population databases (rs544224039, gnomAD 0.02%). This variant has not been reported in the literature in individuals affected with NDUFA11-related conditions. ClinVar contains an entry for this variant (Variation ID: 1479924). An algorithm developed to predict the effect of missense changes on protein structure and function (PolyPhen-2) suggests that this variant is likely to be disruptive. In summary, the available evidence is currently insufficient to determine the role of this variant in disease. Therefore, it has been classified as a Variant of Uncertain Significance.

Ambry Genetics
Classification: Uncertain significance. Last evaluated: 2022-12-01. Review status: criteria provided, single submitter. Criteria: Ambry Variant Classification Scheme 2023. Collection method: clinical testing. Allele origin: germline.